The following is an entry in ClinVar:

ClinVar aggregate classification (germline): Pathogenic (1 of 4 stars; one submission).

Conditions:
Multiple endocrine neoplasia, type 2 (MEN2). Identifiers: Orphanet 653, MedGen C4048306, MONDO:0019003. Disease mechanism: gain of function.

Submission:

Labcorp Genetics (formerly Invitae), Labcorp
Classification: Pathogenic for Multiple endocrine neoplasia, type 2. Last evaluated: 2023-11-25. Review status: criteria provided, single submitter. Criteria: Invitae Variant Classification Sherloc (09022015). Collection method: clinical testing. Allele origin: germline.
Comment: This sequence change creates a premature translational stop signal (p.Trp85*) in the RET gene. It is expected to result in an absent or disrupted protein product. Loss-of-function variants in RET are known to be pathogenic (PMID: 22174939, 22648184). This variant is not present in population databases (gnomAD no frequency). This premature translational stop signal has been observed in individual(s) with Hirschsprung disease (PMID: 29093530). For these reasons, this variant has been classified as Pathogenic.

Literature cited by the submitters: PubMed 22174939; PubMed 22648184; PubMed 29093530.

NM_020975.6(RET):c.255G>A (p.Trp85Ter)

Gene: RET (ret proto-oncogene; plus strand). Cytogenetic location: 10q11.21.
Variant type: single nucleotide variant.
Coding change: c.255G>A on transcript NM_020975.6 (MANE Select); coding-DNA position 255, G replaced by A.
Protein change: p.Trp85Ter; replaces tryptophan 85 with a stop codon.
Molecular consequence: nonsense. On other transcripts: intron variant (4).
Genome position (GRCh38, 1-based): chr10:43,100,640, G>A. VCF-style: chr10-43100640-G-A. GRCh37 (hg19) VCF-style: chr10-43596088-G-A.
Other names: c.255G>A, p.Trp85Ter (NM_000323.2, NM_001406743.1, NM_001406744.1 and 34 more transcripts); c.74-8391G>A (NM_001406784.1); c.74-11459G>A (NM_001406794.1, NM_001406792.1, NM_001406793.1); short protein forms W85*.
Identifiers: ClinVar variation 2698901 (VCV002698901.3), dbSNP rs2132662772, ClinGen allele CA376770417.